The following is an entry in ClinVar:

NM_015100.4(POGZ):c.2234+28G>A

Gene: POGZ (pogo transposable element derived with ZNF domain; minus strand). Cytogenetic location: 1q21.3.
Variant type: single nucleotide variant.
Coding change: c.2234+28G>A on transcript NM_015100.4 (MANE Select); 28 bases into the intron after coding-DNA position 2234, G replaced by A.
Molecular consequence: intron variant.
Genome position (GRCh38, 1-based): chr1:151,408,381, C>T on the plus strand (G>A on the coding strand, the complement: POGZ is on the minus strand). VCF-style: chr1-151408381-C-T. GRCh37 (hg19) VCF-style: chr1-151380857-C-T.
Other names: c.2255+28G>A (NM_001410860.1); c.2075+28G>A (NM_207171.2); c.2048+28G>A (NM_001194938.2); c.1949+28G>A (NM_145796.4); c.2207+28G>A (NM_001194937.2).
Identifiers: ClinVar variation 4851706 (VCV004851706.1).
Genomic context (GRCh38, chr1:151,408,381, plus strand): 5'-CTAAAAAGCTACCAGATTGCACTGTGTATCAGGAATAATCCTGGCCACCCAGTCCCCACC[C>T]GCCCAGCACTTAGAAGAAGGCGCTGACATTTTCCTAACAGCTCTCTTCTGGATGCTGCGC-3'

ClinVar aggregate classification (germline): Uncertain significance (1 of 4 stars; one submission).

Submission:

Greenwood Genetic Center Diagnostic Laboratories, Greenwood Genetic Center
Classification: Uncertain significance. Last evaluated: 2025-03-05. Review status: criteria provided, single submitter. Criteria: ACMG Guidelines, 2015. Collection method: clinical testing. Allele origin: germline.
Comment: PM2